The following is an entry in ClinVar:

NM_022173.4(TIA1):c.10G>C (p.Glu4Gln)

Gene: TIA1 (TIA1 cytotoxic granule associated RNA binding protein; minus strand). Cytogenetic location: 2p13.3.
Variant type: single nucleotide variant.
Coding change: c.10G>C on transcript NM_022173.4 (MANE Select); coding-DNA position 10, G replaced by C.
Protein change: p.Glu4Gln; replaces glutamic acid 4 with glutamine.
Molecular consequence: missense variant. On other transcripts: 5 prime UTR variant (6), non-coding transcript variant (14), intron variant (3).
Genome position (GRCh38, 1-based): chr2:70,248,421, C>G on the plus strand (G>C on the coding strand, the complement: TIA1 is on the minus strand). VCF-style: chr2-70248421-C-G. GRCh37 (hg19) VCF-style: chr2-70475553-C-G.
Other names: c.10G>C, p.Glu4Gln (NM_001351508.2, NM_001351509.2, NM_001351510.2 and 7 more transcripts); c.-89G>C (NM_001351514.2, NM_001351523.2); c.-380G>C (NM_001351515.2); c.-629G>C (NM_001351517.2); c.-406G>C (NM_001351524.2); c.-444G>C (NM_001351525.2); c.-86+242G>C (NM_001351513.1, NM_001351511.1, NM_001351512.1); short protein forms E4Q.
Identifiers: ClinVar variation 3372426 (VCV003372426.1).
Genomic context (GRCh38, chr2:70,248,421, plus strand): 5'-GGACGACCACCATCCCGCCTCCCTCATCGCTGCCCCAGACTCACAGAGTCTTGGGCATCT[C>G]GTCCTCCATGGCTGCTGCTGTCGCGGCGGCGCCTCCAGGTCCAGCTCCCTGCCCTTCACT-3'
Protein context (NP_071505.2, residues 1-14): MED[Glu4Gln]MPKTLYVGNL

ClinVar aggregate classification (germline): Uncertain significance (1 of 4 stars; one submission).

Submission:

GeneDx
Classification: Uncertain significance. Last evaluated: 2024-04-15. Review status: criteria provided, single submitter. Criteria: GeneDx Variant Classification Process June 2021. Collection method: clinical testing. Allele origin: germline. Affected: yes.
Comment: Not observed at significant frequency in large population cohorts (gnomAD); In silico analysis indicates that this missense variant does not alter protein structure/function; Has not been previously published as pathogenic or benign to our knowledge